The following is an entry in ClinVar:

NM_005751.5(AKAP9):c.2125C>T (p.Leu709Phe)

Gene: AKAP9 (A-kinase anchoring protein 9; plus strand). Cytogenetic location: 7q21.2.
Variant type: single nucleotide variant.
Coding change: c.2125C>T on transcript NM_005751.5 (MANE Select); coding-DNA position 2125, C replaced by T.
Protein change: p.Leu709Phe; replaces leucine 709 with phenylalanine.
Molecular consequence: missense variant.
Genome position (GRCh38, 1-based): chr7:92,002,042, C>T. VCF-style: chr7-92002042-C-T. GRCh37 (hg19) VCF-style: chr7-91631356-C-T.
Other names: c.2125C>T, p.Leu709Phe (NM_147185.3); short protein forms L709F.
Identifiers: ClinVar variation 1786309 (VCV001786309.8), dbSNP rs762574367, ClinGen allele CA161907605.

ClinVar aggregate classification (germline): Uncertain significance. Review status: criteria provided, multiple submitters, no conflicts (2 of 4 stars). 2 submissions from 2 submitters: Uncertain significance (2). Last evaluated 2026-01-05.

Conditions:
Long QT syndrome (LQTS). Identifiers: MedGen C0023976, MeSH D008133, MONDO:0002442. Disease mechanism: loss of function. Inheritance: Various modes of inheritance.
Cardiovascular phenotype. Identifiers: MedGen CN230736.

Allele frequency attached by ClinVar (database versions not stated): TOPMed below 0.00001; gnomAD exomes 0.00001; gnomAD 0.00002.
gnomAD v4.1: 22 of 1,603,678 alleles (0.0014%); highest among the groups gnomAD compares: Admixed American, 0.0017%; no homozygotes.

Submissions (2):

Labcorp Genetics (formerly Invitae), Labcorp
Classification: Uncertain significance for Long QT syndrome. Last evaluated: 2026-01-05. Review status: criteria provided, single submitter. Criteria: Invitae Variant Classification Sherloc (09022015). Collection method: clinical testing. Allele origin: germline.
Comment: This sequence change replaces leucine, which is neutral and non-polar, with phenylalanine, which is neutral and non-polar, at codon 709 of the AKAP9 protein (p.Leu709Phe). This variant is present in population databases (rs762574367, gnomAD 0.007%). This variant has not been reported in the literature in individuals affected with AKAP9-related conditions. ClinVar contains an entry for this variant (Variation ID: 1786309). An algorithm developed to predict the effect of missense changes on protein structure and function (PolyPhen-2) suggests that this variant is likely to be disruptive. In summary, the available evidence is currently insufficient to determine the role of this variant in disease. Therefore, it has been classified as a Variant of Uncertain Significance.

Ambry Genetics
Classification: Uncertain significance for Cardiovascular phenotype. Last evaluated: 2025-10-01. Review status: criteria provided, single submitter. Criteria: Ambry Variant Classification Scheme 2023. Collection method: clinical testing. Allele origin: germline.
Comment: The p.L709F variant (also known as c.2125C>T), located in coding exon 8 of the AKAP9 gene, results from a C to T substitution at nucleotide position 2125. The leucine at codon 709 is replaced by phenylalanine, an amino acid with highly similar properties. This amino acid position is not well conserved in available vertebrate species. In addition, this alteration is predicted to be tolerated by in silico analysis. Since supporting evidence is limited at this time, the clinical significance of this alteration remains unclear.